The following is an entry in ClinVar:

ClinVar aggregate classification (germline): Uncertain significance. Review status: criteria provided, single submitter (1 of 4 stars). 2 submissions from 2 submitters: Uncertain significance (1). 1 of the submissions does not count toward it. Last evaluated 2023-06-03.

Conditions:
Long chain 3-hydroxyacyl-CoA dehydrogenase deficiency. Also called: LCHAD Deficiency; Deficiency of long-chain 3-hydroxyacyl-coenzyme A dehydrogenase. Identifiers: Orphanet 5, MedGen C3711645, MONDO:0012173, OMIM 609016.
Mitochondrial trifunctional protein deficiency. Identifiers: Orphanet 746, MedGen C1969443, MONDO:0012172.

Allele frequency attached by ClinVar (database versions not stated): ExAC 0.00001; gnomAD exomes 0.00001 and 0.00002.
gnomAD v4.1: 6 of 1,613,576 alleles (0.00037%); highest among the groups gnomAD compares: Admixed American, 0.01%; no homozygotes.

Submissions (2):

Labcorp Genetics (formerly Invitae), Labcorp
Classification: Uncertain significance for Mitochondrial trifunctional protein deficiency; Long chain 3-hydroxyacyl-CoA dehydrogenase deficiency. Last evaluated: 2023-06-03. Review status: criteria provided, single submitter. Criteria: Invitae Variant Classification Sherloc (09022015). Collection method: clinical testing. Allele origin: germline.
Comment: Advanced modeling of protein sequence and biophysical properties (such as structural, functional, and spatial information, amino acid conservation, physicochemical variation, residue mobility, and thermodynamic stability) performed at Invitae indicates that this missense variant is not expected to disrupt HADHA protein function. In summary, the available evidence is currently insufficient to determine the role of this variant in disease. Therefore, it has been classified as a Variant of Uncertain Significance. ClinVar contains an entry for this variant (Variation ID: 971533). This variant has not been reported in the literature in individuals affected with HADHA-related conditions. This variant is present in population databases (rs769625802, gnomAD 0.01%). This sequence change replaces lysine, which is basic and polar, with arginine, which is basic and polar, at codon 129 of the HADHA protein (p.Lys129Arg).

Natera, Inc.
Classification: Uncertain significance for Deficiency of long-chain 3-hydroxyacyl-coenzyme A dehydrogenase. Last evaluated: 2021-07-16. Review status: no assertion criteria provided. Collection method: clinical testing. Allele origin: germline. Not counted in ClinVar's aggregate classification.

NM_000182.5(HADHA):c.386A>G (p.Lys129Arg)

Gene: HADHA (hydroxyacyl-CoA dehydrogenase trifunctional multienzyme complex subunit alpha; minus strand). Cytogenetic location: 2p23.3.
Variant type: single nucleotide variant.
Coding change: c.386A>G on transcript NM_000182.5 (MANE Select); coding-DNA position 386, A replaced by G.
Protein change: p.Lys129Arg; replaces lysine 129 with arginine.
Molecular consequence: missense variant.
Genome position (GRCh38, 1-based): chr2:26,234,284, T>C on the plus strand (A>G on the coding strand, the complement: HADHA is on the minus strand). VCF-style: chr2-26234284-T-C. GRCh37 (hg19) VCF-style: chr2-26457152-T-C.
Other names: short protein forms K129R.
Identifiers: ClinVar variation 971533 (VCV000971533.6), dbSNP rs769625802, ClinGen allele CA1559894.